The following is an entry in ClinVar:

ClinVar aggregate classification (germline): Conflicting classifications of pathogenicity. Review status: criteria provided, conflicting classifications (1 of 4 stars). 3 submissions from 3 submitters: Uncertain significance (2); Likely benign (1). Last evaluated 2025-02-17.

Conditions:
Hereditary breast ovarian cancer syndrome. Also called: Hereditary breast and ovarian cancer; Hereditary breast and ovarian cancer syndrome; Breast and ovarian cancer; Hereditary breast and/or ovarian cancer syndrome; BRCA1- and BRCA2-Associated Hereditary Breast and Ovarian Cancer; Hereditary breast and ovarian cancer syndrome (HBOC). Identifiers: Orphanet 145, MedGen C0677776, MeSH D061325, MONDO:0003582. Disease mechanism: loss of function.
Hereditary cancer-predisposing syndrome. Also called: Tumor predisposition; Hereditary Cancer Syndrome; Neoplastic Syndromes, Hereditary; Hereditary neoplastic syndrome. Identifiers: Orphanet 140162, MedGen C0027672, MeSH D009386, MONDO:0015356.

Submissions (3):

Labcorp Genetics (formerly Invitae), Labcorp
Classification: Uncertain significance for Hereditary breast ovarian cancer syndrome. Last evaluated: 2025-02-17. Review status: criteria provided, single submitter. Criteria: Invitae Variant Classification Sherloc (09022015). Collection method: clinical testing. Allele origin: germline.
Comment: This sequence change replaces threonine, which is neutral and polar, with lysine, which is basic and polar, at codon 933 of the BRCA2 protein (p.Thr933Lys). This variant is not present in population databases (gnomAD no frequency). This missense change has been observed in individual(s) with breast cancer (PMID: 34326862). ClinVar contains an entry for this variant (Variation ID: 1796106). Invitae Evidence Modeling of protein sequence and biophysical properties (such as structural, functional, and spatial information, amino acid conservation, physicochemical variation, residue mobility, and thermodynamic stability) indicates that this missense variant is not expected to disrupt BRCA2 protein function with a negative predictive value of 95%. In summary, the available evidence is currently insufficient to determine the role of this variant in disease. Therefore, it has been classified as a Variant of Uncertain Significance.

University of Washington Department of Laboratory Medicine, University of Washington
Classification: Likely benign for Hereditary cancer-predisposing syndrome. Last evaluated: 2023-03-23. Review status: criteria provided, single submitter. Criteria: Dines et al. (Genet Med. 2020). Collection method: curation. Allele origin: germline.
Comment: Missense variant in a coldspot region where missense variants are very unlikely to be pathogenic (PMID:31911673).

BRCA2 exon 11 coldspot. Reclassification based on statistical prior probability.

Ambry Genetics
Classification: Uncertain significance for Hereditary cancer-predisposing syndrome. Last evaluated: 2021-11-21. Review status: criteria provided, single submitter. Criteria: Ambry Variant Classification Scheme 2023. Collection method: clinical testing. Allele origin: germline.
Comment: The p.T933K variant (also known as c.2798C>A), located in coding exon 10 of the BRCA2 gene, results from a C to A substitution at nucleotide position 2798. The threonine at codon 933 is replaced by lysine, an amino acid with similar properties. This amino acid position is conserved. In addition, this alteration is predicted to be tolerated by in silico analysis. Since supporting evidence is limited at this time, the clinical significance of this alteration remains unclear.

Literature cited by the submitters: PubMed 34326862 (cited by Labcorp Genetics (formerly Invitae), Labcorp).

NM_000059.4(BRCA2):c.2798C>A (p.Thr933Lys)

Gene: BRCA2 (BRCA2 DNA repair associated; plus strand). Cytogenetic location: 13q13.1.
Variant type: single nucleotide variant.
Coding change: c.2798C>A on transcript NM_000059.4 (MANE Select); coding-DNA position 2798, C replaced by A.
Protein change: p.Thr933Lys; replaces threonine 933 with lysine.
Molecular consequence: missense variant.
Genome position (GRCh38, 1-based): chr13:32,337,153, C>A. VCF-style: chr13-32337153-C-A. GRCh37 (hg19) VCF-style: chr13-32911290-C-A.
Other names: c.2798C>A, p.Thr933Lys (NM_001406719.1, NM_001406720.1); short protein forms T933K.
Identifiers: ClinVar variation 1796106 (VCV001796106.7), dbSNP rs276174830, ClinGen allele CA387773741.